The following is an entry in ClinVar:

ClinVar aggregate classification (germline): Uncertain significance (1 of 4 stars; one submission).

Conditions:
Cardiovascular phenotype. Identifiers: MedGen CN230736.

Submission:

Ambry Genetics
Classification: Uncertain significance for Cardiovascular phenotype. Last evaluated: 2025-10-27. Review status: criteria provided, single submitter. Criteria: Ambry Variant Classification Scheme 2023. Collection method: clinical testing. Allele origin: germline.
Comment: The p.K685T variant (also known as c.2054A>C), located in coding exon 8 of the AKAP9 gene, results from an A to C substitution at nucleotide position 2054. The lysine at codon 685 is replaced by threonine, an amino acid with similar properties. This amino acid position is conserved. In addition, this alteration is predicted to be tolerated by in silico analysis. Based on the available evidence, the clinical significance of this variant remains unclear.

NM_005751.5(AKAP9):c.2054A>C (p.Lys685Thr)

Gene: AKAP9 (A-kinase anchoring protein 9; plus strand). Cytogenetic location: 7q21.2.
Variant type: single nucleotide variant.
Coding change: c.2054A>C on transcript NM_005751.5 (MANE Select); coding-DNA position 2054, A replaced by C.
Protein change: p.Lys685Thr; replaces lysine 685 with threonine.
Molecular consequence: missense variant.
Genome position (GRCh38, 1-based): chr7:92,001,971, A>C. VCF-style: chr7-92001971-A-C. GRCh37 (hg19) VCF-style: chr7-91631285-A-C.
Other names: c.2054A>C, p.Lys685Thr (NM_147185.3); short protein forms K685T.
Identifiers: ClinVar variation 4613399 (VCV004613399.1).